The following is an entry in ClinVar:

ClinVar aggregate classification (germline): Uncertain significance (1 of 4 stars; one submission).

Submission:

Labcorp Genetics (formerly Invitae), Labcorp
Classification: Uncertain significance. Last evaluated: 2022-04-06. Review status: criteria provided, single submitter. Criteria: Invitae Variant Classification Sherloc (09022015). Collection method: clinical testing. Allele origin: germline.
Comment: In summary, the available evidence is currently insufficient to determine the role of this variant in disease. Therefore, it has been classified as a Variant of Uncertain Significance. Algorithms developed to predict the effect of missense changes on protein structure and function (SIFT, PolyPhen-2, Align-GVGD) all suggest that this variant is likely to be tolerated. This variant has not been reported in the literature in individuals affected with PEX3-related conditions. This variant is not present in population databases (gnomAD no frequency). This sequence change replaces asparagine, which is neutral and polar, with serine, which is neutral and polar, at codon 7 of the PEX3 protein (p.Asn7Ser).

NM_003630.3(PEX3):c.20A>G (p.Asn7Ser)

Gene: PEX3 (peroxisomal biogenesis factor 3; plus strand). Cytogenetic location: 6q24.2.
Variant type: single nucleotide variant.
Coding change: c.20A>G on transcript NM_003630.3 (MANE Select); coding-DNA position 20, A replaced by G.
Protein change: p.Asn7Ser; replaces asparagine 7 with serine.
Molecular consequence: missense variant.
Genome position (GRCh38, 1-based): chr6:143,451,062, A>G. VCF-style: chr6-143451062-A-G. GRCh37 (hg19) VCF-style: chr6-143772199-A-G.
Other names: short protein forms N7S.
Identifiers: ClinVar variation 2122130 (VCV002122130.4), dbSNP rs2537172429, ClinGen allele CA365902076.